The following is an entry in ClinVar:

ClinVar aggregate classification (germline): Likely benign (1 of 4 stars; one submission).

Allele frequency attached by ClinVar (database versions not stated): gnomAD 0.00001.
gnomAD v4.1: 1 of 1,608,578 alleles (0.000062%); highest among the groups gnomAD compares: East Asian, 0.0022%; no homozygotes.

Submission:

GeneDx
Classification: Likely benign. Last evaluated: 2015-11-09. Review status: criteria provided, single submitter. Criteria: GeneDx Variant Classification (06012015). Collection method: clinical testing. Allele origin: germline. Affected: yes.
Comment: This variant is considered likely benign or benign based on one or more of the following criteria: it is a conservative change, it occurs at a poorly conserved position in the protein, it is predicted to be benign by multiple in silico algorithms, and/or has population frequency not consistent with disease.

NM_001130823.3(DNMT1):c.4116-9C>T

Gene: DNMT1 (DNA methyltransferase 1; minus strand). Cytogenetic location: 19p13.2.
Variant type: single nucleotide variant.
Coding change: c.4116-9C>T on transcript NM_001130823.3 (MANE Select); 9 bases into the intron before coding-DNA position 4116, C replaced by T.
Molecular consequence: intron variant.
Genome position (GRCh38, 1-based): chr19:10,138,018, G>A on the plus strand (C>T on the coding strand, the complement: DNMT1 is on the minus strand). VCF-style: chr19-10138018-G-A. GRCh37 (hg19) VCF-style: chr19-10248694-G-A.
Other names: c.4116-9C>T (LRG_362t1); c.3753-9C>T (NM_001318731.2); c.4068-9C>T (NM_001379.4, NM_001318730.2).
Identifiers: ClinVar variation 381077 (VCV000381077.1), dbSNP rs1057520947, ClinGen allele CA16608041.
Genomic context (GRCh38, chr19:10,138,018, plus strand): 5'-GTCGGACATCGTGTCTCGCACCGTGATGGTCCGGAAAGGACCCGAGCTCAACCTGCAACA[G>A]AGGAGGAGGTCAACACCTCTGGAGATGCACGCAGCAGCTGTCCCCTCATCACAGGTGCCA-3'